The following is an entry in ClinVar:

ClinVar aggregate classification (germline): Uncertain significance. Review status: criteria provided, single submitter (1 of 4 stars). 2 submissions from 2 submitters: Uncertain significance (1). 1 of the submissions does not count toward it. Last evaluated 2023-10-20.

Conditions:
NCOR1-related disorder. Also called: NCOR1-related condition.

Allele frequency attached by ClinVar (database versions not stated): gnomAD exomes below 0.00001; TOPMed 0.00001.
gnomAD v4.1: 1 of 1,614,210 alleles (0.000062%); highest among the groups gnomAD compares: Admixed American, 0.0017%; no homozygotes.

Submissions (2):

Ambry Genetics
Classification: Uncertain significance. Last evaluated: 2023-10-20. Review status: criteria provided, single submitter. Criteria: Ambry Variant Classification Scheme 2023. Collection method: clinical testing. Allele origin: germline.

PreventionGenetics, part of Exact Sciences
Classification: Uncertain significance for NCOR1-related condition. Last evaluated: 2024-06-21. Review status: no assertion criteria provided. Collection method: clinical testing. Allele origin: germline. Not counted in ClinVar's aggregate classification.
Comment: The NCOR1 c.2993A>G variant is predicted to result in the amino acid substitution p.Lys998Arg. To our knowledge, this variant has not been reported in the literature. This variant is reported in 0.0029% of alleles in individuals of Latino descent in gnomAD. At this time, the clinical significance of this variant is uncertain due to the absence of conclusive functional and genetic evidence.

NM_006311.4(NCOR1):c.2993A>G (p.Lys998Arg)

Gene: NCOR1 (nuclear receptor corepressor 1; minus strand). Cytogenetic location: 17p12.
Variant type: single nucleotide variant.
Coding change: c.2993A>G on transcript NM_006311.4 (MANE Select); coding-DNA position 2993, A replaced by G.
Protein change: p.Lys998Arg; replaces lysine 998 with arginine.
Molecular consequence: missense variant.
Genome position (GRCh38, 1-based): chr17:16,091,886, T>C on the plus strand (A>G on the coding strand, the complement: NCOR1 is on the minus strand). VCF-style: chr17-16091886-T-C. GRCh37 (hg19) VCF-style: chr17-15995200-T-C.
Other names: c.2714A>G, p.Lys905Arg (NM_001190438.2); c.3041A>G, p.Lys1014Arg (NM_001190440.2); short protein forms K1014R, K905R, K998R.
Identifiers: ClinVar variation 3184432 (VCV003184432.2), dbSNP rs769066174, ClinGen allele CA288187174.
Genomic context (GRCh38, chr17:16,091,886, plus strand): 5'-CATAAAAGTTCTCTTGGTGATAGCTCTATCTACCTACCTTCCCACTCTCTGTTTGGACTC[T>C]TGGATGTGCCACATGGACTTGTAGAACTTCTACATTCCAAATCTATCTGTTCTTGTCTCT-3'
Protein context (NP_006302.2, residues 988-1008): RSSTSPCGTS[Lys998Arg]SPNREWEVLQ